The following is an entry in ClinVar:

ClinVar aggregate classification (germline): Uncertain significance. Review status: criteria provided, multiple submitters, no conflicts (2 of 4 stars). 3 submissions from 3 submitters: Uncertain significance (3). Last evaluated 2026-01-23.

Conditions:
Mitochondrial complex V (ATP synthase) deficiency, nuclear type 2. Also called: Nuclear-Encoded ATPase Deficiency, TMEM70-Related; ENCEPHALOCARDIOMYOPATHY, MITOCHONDRIAL, NEONATAL, DUE TO ATP SYNTHASE DEFICIENCY; MITOCHONDRIAL COMPLEX V (ATP SYNTHASE) DEFICIENCY, TMEM70 TYPE. Identifiers: Orphanet 1194, MedGen C3279699, MONDO:0013546, OMIM 614052.

Allele frequency attached by ClinVar (database versions not stated): gnomAD 0.00003; TOPMed 0.00004.
gnomAD v4.1: 162 of 1,605,048 alleles (0.01%); highest among the groups gnomAD compares: Non-Finnish European, 0.013%; no homozygotes.

Submissions (3):

Women's Health and Genetics/Laboratory Corporation of America, LabCorp
Classification: Uncertain significance. Last evaluated: 2026-01-23. Review status: criteria provided, single submitter. Criteria: LabCorp Variant Classification Summary - May 2015. Collection method: clinical testing. Allele origin: germline.
Comment: Variant summary: TMEM70 c.769A>T (p.Lys257X) results in a premature termination codon, predicted to cause a truncation of the encoded protein or absence of the protein, which are commonly known mechanisms for disease. The variant allele was found at a frequency of 3.3e-05 in 245378 control chromosomes. The available data on variant occurrences in the general population are insufficient to allow any conclusion about variant significance. To our knowledge, no occurrence of c.769A>T in individuals affected with TMEM70-related conditions and no experimental evidence demonstrating its impact on protein function have been reported. ClinVar contains an entry for this variant (Variation ID: 858028). Based on the evidence outlined above, the variant was classified as uncertain significance.

Labcorp Genetics (formerly Invitae), Labcorp
Classification: Uncertain significance for Mitochondrial complex V (ATP synthase) deficiency, nuclear type 2. Last evaluated: 2022-08-23. Review status: criteria provided, single submitter. Criteria: Invitae Variant Classification Sherloc (09022015). Collection method: clinical testing. Allele origin: germline.
Comment: This sequence change creates a premature translational stop signal (p.Lys257*) in the TMEM70 gene. While this is not anticipated to result in nonsense mediated decay, it is expected to disrupt the last 4 amino acid(s) of the TMEM70 protein. This variant is present in population databases (rs200138286, gnomAD 0.006%). This variant has not been reported in the literature in individuals affected with TMEM70-related conditions. ClinVar contains an entry for this variant (Variation ID: 858028). Experimental studies and prediction algorithms are not available or were not evaluated, and the functional significance of this variant is currently unknown. In summary, the available evidence is currently insufficient to determine the role of this variant in disease. Therefore, it has been classified as a Variant of Uncertain Significance.

GeneDx
Classification: Uncertain significance. Last evaluated: 2021-06-17. Review status: criteria provided, single submitter. Criteria: GeneDx Variant Classification Process June 2021. Collection method: clinical testing. Allele origin: germline. Affected: yes.
Comment: Not observed at a significant frequency in large population cohorts (Lek et al., 2016); Nonsense variant predicted to result in protein truncation as the last 4 amino acids are lost, although loss-of-function variants have not been reported downstream of this position in the protein; Has not been previously published as pathogenic or benign to our knowledge; This variant is associated with the following publications: (PMID: 27535533)

NM_017866.6(TMEM70):c.769A>T (p.Lys257Ter)

Gene: TMEM70 (transmembrane protein 70; plus strand). Cytogenetic location: 8q21.11.
Variant type: single nucleotide variant.
Coding change: c.769A>T on transcript NM_017866.6 (MANE Select); coding-DNA position 769, A replaced by T.
Protein change: p.Lys257Ter; replaces lysine 257 with a stop codon.
Molecular consequence: nonsense. On other transcripts: 3 prime UTR variant (1), non-coding transcript variant (1).
Genome position (GRCh38, 1-based): chr8:73,981,607, A>T. VCF-style: chr8-73981607-A-T. GRCh37 (hg19) VCF-style: chr8-74893842-A-T.
Other names: c.*459A>T (NM_001040613.3); short protein forms K257*.
Identifiers: ClinVar variation 858028 (VCV000858028.9), dbSNP rs200138286, ClinGen allele CA4784113.